The following is an entry in ClinVar:

NM_144499.3(GNAT1):c.211G>T (p.Gly71Cys)

Gene: GNAT1 (G protein subunit alpha transducin 1; plus strand). Cytogenetic location: 3p21.31.
Variant type: single nucleotide variant.
Coding change: c.211G>T on transcript NM_144499.3 (MANE Select); coding-DNA position 211, G replaced by T.
Protein change: p.Gly71Cys; replaces glycine 71 with cysteine.
Molecular consequence: missense variant.
Genome position (GRCh38, 1-based): chr3:50,193,326, G>T. VCF-style: chr3-50193326-G-T. GRCh37 (hg19) VCF-style: chr3-50230759-G-T.
Other names: c.211G>T, p.Gly71Cys (NM_000172.4); short protein forms G71C.
Identifiers: ClinVar variation 1063401 (VCV001063401.6), dbSNP rs767935708, ClinGen allele CA2412482.
Genomic context (GRCh38, chr3:50,193,326, plus strand): 5'-ATTATCCACCAGGACGGGTACTCGCTGGAAGAGTGCCTCGAGTTTATCGCCATCATCTAC[G>T]GCAACACGTTGCAGTCCATCCTGGCCATCGTACGCGCCATGACCACACTCAACATCCAGT-3'
Protein context (NP_653082.1, residues 61-81): ECLEFIAIIY[Gly71Cys]NTLQSILAIV

ClinVar aggregate classification (germline): Uncertain significance. Review status: criteria provided, single submitter (1 of 4 stars). 2 submissions from 2 submitters: Uncertain significance (1). 1 of the submissions does not count toward it. Last evaluated 2022-07-05.

Conditions:
Retinal dystrophy. Also called: Inherited retinal dystrophy. Identifiers: Orphanet 71862, MedGen C0854723, MeSH D058499, MONDO:0019118, HP:0000556.

Allele frequency attached by ClinVar (database versions not stated): ExAC 0.00001.

Submissions (2):

Labcorp Genetics (formerly Invitae), Labcorp
Classification: Uncertain significance. Last evaluated: 2022-07-05. Review status: criteria provided, single submitter. Criteria: Invitae Variant Classification Sherloc (09022015). Collection method: clinical testing. Allele origin: germline.
Comment: Algorithms developed to predict the effect of missense changes on protein structure and function (SIFT, PolyPhen-2, Align-GVGD) all suggest that this variant is likely to be disruptive. In summary, the available evidence is currently insufficient to determine the role of this variant in disease. Therefore, it has been classified as a Variant of Uncertain Significance. ClinVar contains an entry for this variant (Variation ID: 1063401). This variant has not been reported in the literature in individuals affected with GNAT1-related conditions. This variant is present in population databases (rs767935708, gnomAD 0.003%). This sequence change replaces glycine, which is neutral and non-polar, with cysteine, which is neutral and slightly polar, at codon 71 of the GNAT1 protein (p.Gly71Cys).

Institute of Human Genetics, Univ. Regensburg, Univ. Regensburg
Classification: Uncertain significance for Retinal dystrophy. Last evaluated: 2022-01-01. Review status: no assertion criteria provided. Criteria: ACMG Guidelines, 2015. Collection method: clinical testing. Allele origin: germline. Affected: yes. Not counted in ClinVar's aggregate classification.